The following is an entry in ClinVar:

NM_006082.3(TUBA1B):c.1117A>C (p.Arg373=)

Gene: TUBA1B (tubulin alpha 1b; minus strand). Cytogenetic location: 12q13.12.
Variant type: single nucleotide variant.
Coding change: c.1117A>C on transcript NM_006082.3 (MANE Select); coding-DNA position 1117, A replaced by C.
Protein change: p.Arg373=; no amino-acid change (arginine 373 retained).
Molecular consequence: synonymous variant.
Genome position (GRCh38, 1-based): chr12:49,128,197, T>G on the plus strand (A>C on the coding strand, the complement: TUBA1B is on the minus strand). VCF-style: chr12-49128197-T-G. GRCh37 (hg19) VCF-style: chr12-49521980-T-G.
Identifiers: ClinVar variation 4873983 (VCV004873983.2).
Genomic context (GRCh38, chr12:49,128,197, plus strand): 5'-GGTCCAGGCGAGCCCAGGCCTCAGCAATGGCTGTGGTGTTGCTCAGCATGCACACAGCTC[T>G]CTGTACCTTGGCCAGGTCTCCACCAGGCACCACAGTGGGAGGCTGGTAGTTGATGCCAAC-3'
Protein context (NP_006073.2, residues 363-383): VPGGDLAKVQ[Arg373=]AVCMLSNTTA

ClinVar aggregate classification (germline): Likely benign (1 of 4 stars; one submission).

Submission:

CeGaT Center for Human Genetics Tuebingen
Classification: Likely benign. Last evaluated: 2026-05-01. Review status: criteria provided, single submitter. Criteria: CeGaT Center For Human Genetics Tuebingen Variant Classification Criteria Version 2. Collection method: clinical testing. Allele origin: germline. Affected: yes. Observed: 1 variant allele.
Comment: TUBA1B: PM2:Supporting, BP4, BP7